The following is an entry in ClinVar:

ClinVar aggregate classification (germline): Benign/Likely benign. Review status: criteria provided, multiple submitters, no conflicts (2 of 4 stars). 3 submissions from 3 submitters: Benign (2); Likely benign (1). Last evaluated 2025-08-13.

Conditions:
Tuberous sclerosis syndrome (TSC). Also called: Tuberous Sclerosis Complex; Tuberous sclerosis. Identifiers: Orphanet 805, MedGen C0041341, MONDO:0001734.
Tuberous sclerosis 1 (TSC1). Identifiers: Orphanet 805, MedGen C1854465, MONDO:0008612, OMIM 191100.

Allele frequency attached by ClinVar (database versions not stated): ExAC 0.00002; gnomAD exomes 0.00002.
gnomAD v4.1: 25 of 1,613,988 alleles (0.0015%); highest among the groups gnomAD compares: South Asian, 0.025%; no homozygotes.

Submissions (3):

Labcorp Genetics (formerly Invitae), Labcorp
Classification: Likely benign for Tuberous sclerosis 1. Last evaluated: 2025-08-13. Review status: criteria provided, single submitter. Criteria: Invitae Variant Classification Sherloc (09022015). Collection method: clinical testing. Allele origin: germline.

Myriad Genetics, Inc.
Classification: Benign for Tuberous sclerosis 1. Last evaluated: 2024-09-05. Review status: criteria provided, single submitter. Criteria: Myriad Autosomal Dominant, Autosomal Recessive and X-Linked Classification Criteria (2023). Collection method: clinical testing. Allele origin: unknown.
Comment: This variant is considered benign. This variant is intronic and is not expected to impact mRNA splicing. This variant has been observed at a population frequency that is significantly greater than expected given the associated disease prevalence and penetrance.

All of Us Research Program, National Institutes of Health
Classification: Benign for Tuberous sclerosis syndrome. Last evaluated: 2024-06-09. Review status: criteria provided, single submitter. Criteria: ACMG Guidelines, 2015. Collection method: clinical testing. Allele origin: germline. Inheritance: Autosomal dominant inheritance. Observed: 1 variant allele, 1 heterozygote.
Comment: This study involves interpretation of variants in research participants for the purpose of population health screening. Participant phenotype was not available at the time of variant classification. Additional details can be found in publication PMID: 35346344, PMCID: PMC8962531

NM_000368.5(TSC1):c.509-13G>A

Gene: TSC1 (TSC complex subunit 1; minus strand). Cytogenetic location: 9q34.13.
Variant type: single nucleotide variant.
Coding change: c.509-13G>A on transcript NM_000368.5 (MANE Select); 13 bases into the intron before coding-DNA position 509, G replaced by A.
Molecular consequence: intron variant.
Genome position (GRCh38, 1-based): chr9:132,921,986, C>T on the plus strand (G>A on the coding strand, the complement: TSC1 is on the minus strand). VCF-style: chr9-132921986-C-T. GRCh37 (hg19) VCF-style: chr9-135797373-C-T.
Other names: c.146-13G>A (NM_001362177.2); c.356-13G>A (NM_001162427.2); c.509-13G>A (NM_001162426.2).
Identifiers: ClinVar variation 1558518 (VCV001558518.10), dbSNP rs746269100, ClinGen allele CA037788.